The following is an entry in ClinVar:

ClinVar aggregate classification (germline): Uncertain significance (1 of 4 stars; one submission).

Conditions:
DICER1-related tumor predisposition. Also called: DICER1-related pleuropulmonary blastoma cancer predisposition syndrome; DICER1 syndrome. Identifiers: Orphanet 284343, MedGen C3839822, MONDO:0100216.

Submission:

Labcorp Genetics (formerly Invitae), Labcorp
Classification: Uncertain significance for DICER1-related tumor predisposition. Last evaluated: 2024-05-15. Review status: criteria provided, single submitter. Criteria: Invitae Variant Classification Sherloc (09022015). Collection method: clinical testing. Allele origin: germline.
Comment: This sequence change replaces isoleucine, which is neutral and non-polar, with methionine, which is neutral and non-polar, at codon 1108 of the DICER1 protein (p.Ile1108Met). This variant is not present in population databases (gnomAD no frequency). This variant has not been reported in the literature in individuals affected with DICER1-related conditions. ClinVar contains an entry for this variant (Variation ID: 1437200). Advanced modeling of protein sequence and biophysical properties (such as structural, functional, and spatial information, amino acid conservation, physicochemical variation, residue mobility, and thermodynamic stability) performed at Invitae indicates that this missense variant is not expected to disrupt DICER1 protein function with a negative predictive value of 80%. In summary, the available evidence is currently insufficient to determine the role of this variant in disease. Therefore, it has been classified as a Variant of Uncertain Significance.

NM_177438.3(DICER1):c.3324C>G (p.Ile1108Met)

Gene: DICER1 (dicer 1, ribonuclease III; minus strand). Cytogenetic location: 14q32.13.
Variant type: single nucleotide variant.
Coding change: c.3324C>G on transcript NM_177438.3 (MANE Select); coding-DNA position 3324, C replaced by G.
Protein change: p.Ile1108Met; replaces isoleucine 1108 with methionine.
Molecular consequence: missense variant.
Genome position (GRCh38, 1-based): chr14:95,104,072, G>C on the plus strand (C>G on the coding strand, the complement: DICER1 is on the minus strand). VCF-style: chr14-95104072-G-C. GRCh37 (hg19) VCF-style: chr14-95570409-G-C.
Other names: c.3324C>G, p.Ile1108Met (NM_001195573.1, NM_001271282.3, NM_001291628.2 and 1 more transcripts); short protein forms I1108M.
Identifiers: ClinVar variation 1437200 (VCV001437200.9), dbSNP rs765205680, ClinGen allele CA390875902.